The following is an entry in ClinVar:

NM_003907.3(EIF2B5):c.1165G>A (p.Val389Met)

Gene: EIF2B5 (eukaryotic translation initiation factor 2B subunit epsilon; plus strand). Cytogenetic location: 3q27.1.
Variant type: single nucleotide variant.
Coding change: c.1165G>A on transcript NM_003907.3 (MANE Select); coding-DNA position 1165, G replaced by A.
Protein change: p.Val389Met; replaces valine 389 with methionine.
Molecular consequence: missense variant.
Genome position (GRCh38, 1-based): chr3:184,141,933, G>A. VCF-style: chr3-184141933-G-A. GRCh37 (hg19) VCF-style: chr3-183859721-G-A.
Other names: short protein forms V389M.
Identifiers: ClinVar variation 992849 (VCV000992849.2), dbSNP rs2473668375, ClinGen allele CA355386634.

ClinVar aggregate classification (germline): Likely pathogenic. Review status: criteria provided, multiple submitters, no conflicts (2 of 4 stars). 2 submissions from 2 submitters: Likely pathogenic (2). Last evaluated 2024-07-05.

Conditions:
Vanishing white matter disease. Also called: Childhood ataxia with diffuse central nervous system hypomyelination; Leukoencephalopathy with vanishing white matter; CACH/VWM syndrome; Cree leukoencehalopathy; CACH syndrome. Identifiers: Orphanet 135, Orphanet 99853, MedGen C1858991, MONDO:0800448.

Submissions (2):

Natera, Inc.
Classification: Likely pathogenic for Leukoencephalopathy with vanishing white matter. Last evaluated: 2024-07-05. Review status: criteria provided, single submitter. Criteria: Natera Variant Classification Schema (03/2026). Collection method: clinical testing. Allele origin: germline.
Comment: The c.1165G>A variant in EIF2B5 is a missense variant predicted to cause substitution of valine to methionine at amino acid 389. This variant is rare in the general population with a frequency below the threshold expected for the associated phenotype(s). This variant has been observed in one or more individuals affected with the associated recessive disease, as either homozygous or compound heterozygous with a second variant (PMID: 32293553). Additionally, this variant has been observed to segregate in affected family members (PMID: 32293553). Computational prediction algorithms indicate this variant is likely to affect gene or protein function. Given the available evidence, this variant is classified as Likely Pathogenic.

Laboratoire de Génétique Moléculaire, CHU Bordeaux
Classification: Likely pathogenic. Review status: criteria provided, single submitter. Criteria: ACMG Guidelines, 2015. Collection method: clinical testing. Allele origin: germline. Affected: yes.

Literature cited by the submitters: PubMed 32293553 (cited by Natera, Inc.).